The following is an entry in ClinVar:

NM_145647.4(TBC1D31):c.545C>T (p.Thr182Ile)

Gene: TBC1D31 (TBC1 domain family member 31; plus strand). Cytogenetic location: 8q24.13.
Variant type: single nucleotide variant.
Coding change: c.545C>T on transcript NM_145647.4 (MANE Select); coding-DNA position 545, C replaced by T.
Protein change: p.Thr182Ile; replaces threonine 182 with isoleucine.
Molecular consequence: missense variant. On other transcripts: 5 prime UTR variant (1).
Genome position (GRCh38, 1-based): chr8:123,093,616, C>T. VCF-style: chr8-123093616-C-T. GRCh37 (hg19) VCF-style: chr8-124105856-C-T.
Other names: c.545C>T, p.Thr182Ile (NM_001145088.2, NM_001363148.1, NM_001363150.1 and 2 more transcripts); c.230C>T, p.Thr77Ile (NM_001330606.2, NM_001363152.1, NM_001363154.1 and 1 more transcripts); c.515C>T, p.Thr172Ile (NM_001363149.1); c.-822C>T (NM_001363156.1); short protein forms T172I, T182I, T77I.
Identifiers: ClinVar variation 3048796 (VCV003048796.2), dbSNP rs78218780, ClinGen allele CA4863059.

ClinVar aggregate classification (germline): Likely benign (0 of 4 stars; one submission).

Conditions:
TBC1D31-related disorder. Also called: TBC1D31-related condition.

Allele frequency attached by ClinVar (database versions not stated): gnomAD exomes 0.00015; ExAC 0.00043; ESP Exome Variant Server 0.00123; 1000 Genomes Project 0.00140; 1000 Genomes Project 30x 0.00141; gnomAD 0.00154; TOPMed 0.00172.
gnomAD v4.1: 460 of 1,608,720 alleles (0.029%); highest among the groups gnomAD compares: African/African-American, 0.54%; 1 homozygote.

Submission:

PreventionGenetics, part of Exact Sciences
Classification: Likely benign for TBC1D31-related condition. Last evaluated: 2022-04-11. Review status: no assertion criteria provided. Collection method: clinical testing. Allele origin: germline.
Comment: This variant is classified as likely benign based on ACMG/AMP sequence variant interpretation guidelines (Richards et al. 2015 PMID: 25741868, with internal and published modifications).